The following is an entry in ClinVar:

NM_001042492.3(NF1):c.4049T>C (p.Ile1350Thr)

Gene: NF1 (neurofibromin 1; plus strand). Cytogenetic location: 17q11.2.
Variant type: single nucleotide variant.
Coding change: c.4049T>C on transcript NM_001042492.3 (MANE Select); coding-DNA position 4049, T replaced by C.
Protein change: p.Ile1350Thr; replaces isoleucine 1350 with threonine.
Molecular consequence: missense variant.
Genome position (GRCh38, 1-based): chr17:31,249,058, T>C. VCF-style: chr17-31249058-T-C. GRCh37 (hg19) VCF-style: chr17-29576076-T-C.
Other names: c.4049T>C, p.Ile1350Thr (NM_000267.4); short protein forms I1350T.
Identifiers: ClinVar variation 2916521 (VCV002916521.4), dbSNP rs2067449846, ClinGen allele CA398994974.
Genomic context (GRCh38, chr17:31,249,058, plus strand): 5'-AGAGCCTTGAGGAAAACCAGCGGAACCTCCTTCAGATGACTGAAAAGTTCTTCCATGCCA[T>C]CATCAGTTCCTCCTCAGAATTCCCCCCTCAACTTCGAAGTGTGTGCCACTGTTTATACCA-3'
Protein context (NP_001035957.1, residues 1340-1360): LQMTEKFFHA[Ile1350Thr]ISSSSEFPPQ

ClinVar aggregate classification (germline): Uncertain significance. Review status: criteria provided, multiple submitters, no conflicts (2 of 4 stars). 2 submissions from 2 submitters: Uncertain significance (2). Last evaluated 2024-11-24.

Conditions:
Neurofibromatosis, type 1 (NF1). Also called: Neurofibromatosis, type I; NEUROFIBROMATOSIS, TYPE I, SOMATIC; Peripheral type neurofibromatosis; VON RECKLINGHAUSEN DISEASE. Identifiers: Orphanet 636, MedGen C0027831, MONDO:0018975, OMIM 162200. Disease mechanism: loss of function.
Hereditary cancer-predisposing syndrome. Also called: Neoplastic Syndromes, Hereditary; Tumor predisposition; Hereditary neoplastic syndrome; Hereditary Cancer Syndrome. Identifiers: Orphanet 140162, MedGen C0027672, MeSH D009386, MONDO:0015356.
Cardiovascular phenotype. Identifiers: MedGen CN230736.

Allele frequency attached by ClinVar (database versions not stated): gnomAD 0.00001; TOPMed 0.00001.
gnomAD v4.1: 1 of 1,614,074 alleles (0.000062%); highest among the groups gnomAD compares: Admixed American, 0.0017%; no homozygotes.

Submissions (2):

Ambry Genetics
Classification: Uncertain significance for Cardiovascular phenotype; Hereditary cancer-predisposing syndrome. Last evaluated: 2024-11-24. Review status: criteria provided, single submitter. Criteria: Ambry Variant Classification Scheme 2023. Collection method: clinical testing. Allele origin: germline.

Labcorp Genetics (formerly Invitae), Labcorp
Classification: Uncertain significance for Neurofibromatosis, type 1. Last evaluated: 2023-07-29. Review status: criteria provided, single submitter. Criteria: Invitae Variant Classification Sherloc (09022015). Collection method: clinical testing. Allele origin: germline.
Comment: Advanced modeling of protein sequence and biophysical properties (such as structural, functional, and spatial information, amino acid conservation, physicochemical variation, residue mobility, and thermodynamic stability) performed at Invitae indicates that this missense variant is expected to disrupt NF1 protein function. In summary, the available evidence is currently insufficient to determine the role of this variant in disease. Therefore, it has been classified as a Variant of Uncertain Significance. This variant has not been reported in the literature in individuals affected with NF1-related conditions. This sequence change replaces isoleucine, which is neutral and non-polar, with threonine, which is neutral and polar, at codon 1350 of the NF1 protein (p.Ile1350Thr). This variant is not present in population databases (gnomAD no frequency).